The following is an entry in ClinVar:

NM_001035.3(RYR2):c.13798T>C (p.Phe4600Leu)

Gene: RYR2 (ryanodine receptor 2; plus strand). Cytogenetic location: 1q43.
Variant type: single nucleotide variant.
Coding change: c.13798T>C on transcript NM_001035.3 (MANE Select); coding-DNA position 13798, T replaced by C.
Protein change: p.Phe4600Leu; replaces phenylalanine 4600 with leucine.
Molecular consequence: missense variant.
Genome position (GRCh38, 1-based): chr1:237,793,882, T>C. VCF-style: chr1-237793882-T-C. GRCh37 (hg19) VCF-style: chr1-237957182-T-C.
Other names: short protein forms F4600L.
Identifiers: ClinVar variation 1441921 (VCV001441921.7), dbSNP rs2149388042, ClinGen allele CA345418013.
Genomic context (GRCh38, chr1:237,793,882, plus strand): 5'-CAGTAAATCTAAACTAATTTTAACGTATTTATTTTTCCTATGTAGGTCCCATTGGTTATT[T>C]TTAAGCGAGAAAAGGAAGTGGCACGGAAATTGGAATTTGATGGGCTTTATATTACAGAAC-3'
Protein context (NP_001026.2, residues 4590-4610): YYCLKVPLVI[Phe4600Leu]KREKEVARKL

ClinVar aggregate classification (germline): Pathogenic (1 of 4 stars; one submission).

Conditions:
Catecholaminergic polymorphic ventricular tachycardia 1. Also called: VENTRICULAR TACHYCARDIA, CATECHOLAMINERGIC POLYMORPHIC, 1, WITH OR WITHOUT ATRIAL DYSFUNCTION AND/OR DILATED CARDIOMYOPATHY; RYR2-Related Catecholaminergic Polymorphic Ventricular Tachycardia; VENTRICULAR TACHYCARDIA, STRESS-INDUCED POLYMORPHIC 1. Identifiers: Orphanet 3286, MedGen C1631597, MONDO:0011484, OMIM 604772.

Submission:

Labcorp Genetics (formerly Invitae), Labcorp
Classification: Pathogenic for Catecholaminergic polymorphic ventricular tachycardia 1. Last evaluated: 2021-11-13. Review status: criteria provided, single submitter. Criteria: Invitae Variant Classification Sherloc (09022015). Collection method: clinical testing. Allele origin: germline.
Comment: For these reasons, this variant has been classified as Pathogenic. Advanced modeling of protein sequence and biophysical properties (such as structural, functional, and spatial information, amino acid conservation, physicochemical variation, residue mobility, and thermodynamic stability) performed at Invitae indicates that this missense variant is expected to disrupt RYR2 protein function. This missense change has been observed in individual(s) with catecholaminergic polymorphic ventricular tachycardia (PMID: 26114861, 29434162). In at least one individual the variant was observed to be de novo. This variant is not present in population databases (gnomAD no frequency). This sequence change replaces phenylalanine, which is neutral and non-polar, with leucine, which is neutral and non-polar, at codon 4600 of the RYR2 protein (p.Phe4600Leu).

Literature cited by the submitters: PubMed 26114861; PubMed 29434162.